The following is an entry in ClinVar:

ClinVar aggregate classification (germline): Uncertain significance. Review status: criteria provided, multiple submitters, no conflicts (2 of 4 stars). 2 submissions from 2 submitters: Uncertain significance (2). Last evaluated 2022-05-20.

Conditions:
Pontoneocerebellar hypoplasia. Also called: Pontocerebellar hypoplasia; Non-syndromic pontocerebellar hypoplasia. Identifiers: Orphanet 98523, MedGen C1261175, MONDO:0020135.

Allele frequency attached by ClinVar (database versions not stated): gnomAD 0.00001; TOPMed 0.00002.
gnomAD v4.1: 10 of 1,547,478 alleles (0.00065%); highest among the groups gnomAD compares: Non-Finnish European, 0.00087%; no homozygotes.

Submissions (2):

GeneDx
Classification: Uncertain significance. Last evaluated: 2022-05-20. Review status: criteria provided, single submitter. Criteria: GeneDx Variant Classification Process June 2021. Collection method: clinical testing. Allele origin: germline. Affected: yes.
Comment: Not observed at significant frequency in large population cohorts (gnomAD); In silico analysis supports that this missense variant has a deleterious effect on protein structure/function; Has not been previously published as pathogenic or benign to our knowledge

Illumina Laboratory Services, Illumina
Classification: Uncertain significance for Pontoneocerebellar hypoplasia. Last evaluated: 2018-01-13. Review status: criteria provided, single submitter. Criteria: ICSL Variant Classification Criteria 13 December 2019. Collection method: clinical testing. Allele origin: germline.

NM_207346.3(TSEN54):c.1163G>C (p.Arg388Pro)

Gene: TSEN54 (tRNA splicing endonuclease subunit 54; plus strand). Cytogenetic location: 17q25.1.
Variant type: single nucleotide variant.
Coding change: c.1163G>C on transcript NM_207346.3 (MANE Select); coding-DNA position 1163, G replaced by C.
Protein change: p.Arg388Pro; replaces arginine 388 with proline.
Molecular consequence: missense variant.
Genome position (GRCh38, 1-based): chr17:75,522,244, G>C. VCF-style: chr17-75522244-G-C. GRCh37 (hg19) VCF-style: chr17-73518325-G-C.
Other names: short protein forms R388P.
Identifiers: ClinVar variation 892047 (VCV000892047.5), dbSNP rs796181199, ClinGen allele CA294079643.